The following is an entry in ClinVar:

NM_001105206.3(LAMA4):c.4466T>C (p.Phe1489Ser)

Gene: LAMA4 (laminin subunit alpha 4; minus strand). Cytogenetic location: 6q21.
Variant type: single nucleotide variant.
Coding change: c.4466T>C on transcript NM_001105206.3 (MANE Select); coding-DNA position 4466, T replaced by C.
Protein change: p.Phe1489Ser; replaces phenylalanine 1489 with serine.
Molecular consequence: missense variant.
Genome position (GRCh38, 1-based): chr6:112,122,023, A>G on the plus strand (T>C on the coding strand, the complement: LAMA4 is on the minus strand). VCF-style: chr6-112122023-A-G. GRCh37 (hg19) VCF-style: chr6-112443226-A-G.
Other names: c.4445T>C, p.Phe1482Ser (NM_001105207.3, NM_002290.5); short protein forms F1482S, F1489S.
Identifiers: ClinVar variation 1740649 (VCV001740649.6), dbSNP rs587734662, ClinGen allele CA3964985.

ClinVar aggregate classification (germline): Uncertain significance. Review status: criteria provided, multiple submitters, no conflicts (2 of 4 stars). 3 submissions from 3 submitters: Uncertain significance (3). Last evaluated 2024-10-22.

Conditions:
Cardiovascular phenotype. Identifiers: MedGen CN230736.
Dilated cardiomyopathy 1JJ (CMD1JJ). Identifiers: Orphanet 154, MedGen C3808935, MONDO:0014095, OMIM 615235.

Allele frequency attached by ClinVar (database versions not stated): ExAC 0.00001; gnomAD 0.00001; TOPMed 0.00001; 1000 Genomes Project 30x 0.00016; 1000 Genomes Project 0.00020.
gnomAD v4.1: 2 of 1,613,946 alleles (0.00012%); highest among the groups gnomAD compares: African/African-American, 0.0027%; no homozygotes.

Submissions (3):

Labcorp Genetics (formerly Invitae), Labcorp
Classification: Uncertain significance for Dilated cardiomyopathy 1JJ. Last evaluated: 2024-10-22. Review status: criteria provided, single submitter. Criteria: Invitae Variant Classification Sherloc (09022015). Collection method: clinical testing. Allele origin: germline.
Comment: This sequence change replaces phenylalanine, which is neutral and non-polar, with serine, which is neutral and polar, at codon 1482 of the LAMA4 protein (p.Phe1482Ser). This variant is present in population databases (rs587734662, gnomAD 0.007%). This variant has not been reported in the literature in individuals affected with LAMA4-related conditions. ClinVar contains an entry for this variant (Variation ID: 1740649). Invitae Evidence Modeling of protein sequence and biophysical properties (such as structural, functional, and spatial information, amino acid conservation, physicochemical variation, residue mobility, and thermodynamic stability) indicates that this missense variant is expected to disrupt LAMA4 protein function with a positive predictive value of 80%. In summary, the available evidence is currently insufficient to determine the role of this variant in disease. Therefore, it has been classified as a Variant of Uncertain Significance.

Ambry Genetics
Classification: Uncertain significance for Cardiovascular phenotype. Last evaluated: 2024-06-09. Review status: criteria provided, single submitter. Criteria: Ambry Variant Classification Scheme 2023. Collection method: clinical testing. Allele origin: germline.
Comment: The p.F1482S variant (also known as c.4445T>C), located in coding exon 31 of the LAMA4 gene, results from a T to C substitution at nucleotide position 4445. The phenylalanine at codon 1482 is replaced by serine, an amino acid with highly dissimilar properties. This amino acid position is highly conserved in available vertebrate species. In addition, the in silico prediction for this alteration is inconclusive. Since supporting evidence is limited at this time, the clinical significance of this alteration remains unclear.

GeneDx
Classification: Uncertain significance. Last evaluated: 2022-10-31. Review status: criteria provided, single submitter. Criteria: GeneDx Variant Classification Process June 2021. Collection method: clinical testing. Allele origin: germline. Affected: yes.
Comment: Not observed at significant frequency in large population cohorts (gnomAD); In silico analysis supports that this missense variant has a deleterious effect on protein structure/function; Has not been previously published as pathogenic or benign to our knowledge